The following is an entry in ClinVar:

ClinVar aggregate classification (germline): Benign (1 of 4 stars; one submission).

Conditions:
Familial cancer of breast. Also called: Hereditary breast cancer; BREAST CANCER, FAMILIAL; hereditary breast carcinoma. Identifiers: Orphanet 227535, MedGen C0346153, MONDO:0016419, OMIM 114480. Disease mechanism: loss of function.

Submission:

Myriad Genetics, Inc.
Classification: Benign for Familial cancer of breast. Last evaluated: 2024-10-07. Review status: criteria provided, single submitter. Criteria: Myriad Autosomal Dominant, Autosomal Recessive and X-Linked Classification Criteria (2023). Collection method: clinical testing. Allele origin: unknown.
Comment: This variant is considered benign. This variant is a silent/synonymous amino acid change and it is not expected to impact splicing.

NM_007194.4(CHEK2):c.1269G>A (p.Gly423=)

Gene: CHEK2 (checkpoint kinase 2; minus strand). Cytogenetic location: 22q12.1.
Variant type: single nucleotide variant.
Coding change: c.1269G>A on transcript NM_007194.4 (MANE Select); coding-DNA position 1269, G replaced by A.
Protein change: p.Gly423=; no amino-acid change (glycine 423 retained).
Molecular consequence: synonymous variant.
Genome position (GRCh38, 1-based): chr22:28,695,233, C>T on the plus strand (G>A on the coding strand, the complement: CHEK2 is on the minus strand). VCF-style: chr22-28695233-C-T. GRCh37 (hg19) VCF-style: chr22-29091221-C-T.
Other names: c.1398G>A, p.Gly466= (NM_001005735.3); c.606G>A, p.Gly202= (NM_001257387.3); c.1068G>A, p.Gly356= (NM_001349956.3); c.1182G>A, p.Gly394= (NM_145862.3).
Identifiers: ClinVar variation 3773197 (VCV003773197.1).